The following is an entry in ClinVar:

NM_000334.4(SCN4A):c.3440G>C (p.Arg1147Thr)

Genes: GH-LCR (growth hormone locus control region; plus strand), SCN4A (sodium voltage-gated channel alpha subunit 4; minus strand). Cytogenetic location: 17q23.3.
Variant type: single nucleotide variant.
Coding change: c.3440G>C on transcript NM_000334.4 (MANE Select); coding-DNA position 3440, G replaced by C.
Protein change: p.Arg1147Thr; replaces arginine 1147 with threonine.
Molecular consequence: missense variant.
Genome position (GRCh38, 1-based): chr17:63,947,046, C>G on the plus strand (G>C on the coding strand, the complement: SCN4A is on the minus strand). VCF-style: chr17-63947046-C-G. GRCh37 (hg19) VCF-style: chr17-62024406-C-G.
Other names: short protein forms R1147T.
Identifiers: ClinVar variation 1010492 (VCV001010492.10), dbSNP rs1908747679, ClinGen allele CA400619246.

ClinVar aggregate classification (germline): Uncertain significance. Review status: criteria provided, multiple submitters, no conflicts (2 of 4 stars). 2 submissions from 2 submitters: Uncertain significance (2). Last evaluated 2025-12-08.

Conditions:
Hyperkalemic periodic paralysis. Also called: Familial hyperkalemic periodic paralysis; Gamstorp disease. Identifiers: Orphanet 682, MedGen C0238357, MONDO:0008224, OMIM 170500, HP:0007215.

Allele frequency attached by ClinVar (database versions not stated): TOPMed below 0.00001.
gnomAD v4.1: 25 of 1,612,206 alleles (0.0016%); highest among the groups gnomAD compares: Non-Finnish European, 0.0021%; no homozygotes.

Submissions (2):

Labcorp Genetics (formerly Invitae), Labcorp
Classification: Uncertain significance for Hyperkalemic periodic paralysis. Last evaluated: 2025-12-08. Review status: criteria provided, single submitter. Criteria: Invitae Variant Classification Sherloc (09022015). Collection method: clinical testing. Allele origin: germline.
Comment: This sequence change replaces arginine, which is basic and polar, with threonine, which is neutral and polar, at codon 1147 of the SCN4A protein (p.Arg1147Thr). This variant is not present in population databases (gnomAD no frequency). This variant has not been reported in the literature in individuals affected with SCN4A-related conditions. ClinVar contains an entry for this variant (Variation ID: 1010492). Invitae Evidence Modeling of protein sequence and biophysical properties (such as structural, functional, and spatial information, amino acid conservation, physicochemical variation, residue mobility, and thermodynamic stability) indicates that this missense variant is expected to disrupt SCN4A protein function with a positive predictive value of 95%. In summary, the available evidence is currently insufficient to determine the role of this variant in disease. Therefore, it has been classified as a Variant of Uncertain Significance.

Athena Diagnostics
Classification: Uncertain significance. Last evaluated: 2024-03-06. Review status: criteria provided, single submitter. Criteria: Athena Diagnostics Criteria. Collection method: clinical testing. Allele origin: unknown.
Comment: Available data are insufficient to determine the clinical significance of the variant at this time. This variant has not been reported in large, multi-ethnic general populations. This variant has been identified in at least one individual tested at Athena Diagnostics with clinical features associated with this gene. Computational tools predict that this variant is damaging.